The following is an entry in ClinVar:

ClinVar aggregate classification (germline): Likely benign. Review status: criteria provided, multiple submitters, no conflicts (2 of 4 stars). 3 submissions from 3 submitters: Likely benign (3). Last evaluated 2025-07-22.

Allele frequency attached by ClinVar (database versions not stated): ExAC 0.00003; gnomAD exomes 0.00003 and 0.00004; TOPMed 0.00003; gnomAD 0.00004.
gnomAD v4.1: 53 of 1,614,076 alleles (0.0033%); highest among the groups gnomAD compares: East Asian, 0.0067%; no homozygotes.

Submissions (3):

Labcorp Genetics (formerly Invitae), Labcorp
Classification: Likely benign. Last evaluated: 2025-07-22. Review status: criteria provided, single submitter. Criteria: Invitae Variant Classification Sherloc (09022015). Collection method: clinical testing. Allele origin: germline.

CeGaT Center for Human Genetics Tuebingen
Classification: Likely benign. Last evaluated: 2024-12-01. Review status: criteria provided, single submitter. Criteria: CeGaT Center For Human Genetics Tuebingen Variant Classification Criteria Version 2. Collection method: clinical testing. Allele origin: germline. Affected: yes. Observed: 1 variant allele.
Comment: FAT4: BP4, BP7

GeneDx
Classification: Likely benign. Last evaluated: 2018-01-12. Review status: criteria provided, single submitter. Criteria: GeneDx Variant Classification (06012015). Collection method: clinical testing. Allele origin: germline. Affected: yes.
Comment: This variant is considered likely benign or benign based on one or more of the following criteria: it is a conservative change, it occurs at a poorly conserved position in the protein, it is predicted to be benign by multiple in silico algorithms, and/or has population frequency not consistent with disease.

NM_001291303.3(FAT4):c.3351G>A (p.Ser1117=)

Gene: FAT4 (FAT atypical cadherin 4; plus strand). Cytogenetic location: 4q28.1.
Variant type: single nucleotide variant.
Coding change: c.3351G>A on transcript NM_001291303.3 (MANE Select); coding-DNA position 3351, G replaced by A.
Protein change: p.Ser1117=; no amino-acid change (serine 1117 retained).
Molecular consequence: synonymous variant.
Genome position (GRCh38, 1-based): chr4:125,319,762, G>A. VCF-style: chr4-125319762-G-A. GRCh37 (hg19) VCF-style: chr4-126240917-G-A.
Other names: c.3351G>A, p.Ser1117= (NM_001291285.3, NM_024582.6).
Identifiers: ClinVar variation 514585 (VCV000514585.23), dbSNP rs769768427, ClinGen allele CA3072299.
Genomic context (GRCh38, chr4:125,319,762, plus strand): 5'-ACCTCTTTTTAACAGTACCAATTACACATTTTACTTCGAAGAAGAGCAGAGGGCTGGGTC[G>A]TTTGTGGGCAAAGTAAGTGCTGTAGATAAAGACTTTGGGCCAAATGGAGAAGTAAGGTAT-3'
Protein context (NP_001278232.1, residues 1107-1127): FYFEEEQRAG[Ser1117=]FVGKVSAVDK